The following is an entry in ClinVar:

ClinVar aggregate classification (germline): Uncertain significance. Review status: criteria provided, multiple submitters, no conflicts (2 of 4 stars). 2 submissions from 2 submitters: Uncertain significance (2). Last evaluated 2026-01-21.

Conditions:
Familial focal epilepsy with variable foci (FPEVF). Identifiers: Orphanet 98820, MedGen C1858477, MONDO:0020310.
Inborn genetic diseases. Identifiers: MedGen C0950123, MeSH D030342.

Allele frequency attached by ClinVar (database versions not stated): TOPMed below 0.00001; gnomAD exomes 0.00001 and 0.00003; ExAC 0.00002.
gnomAD v4.1: 16 of 1,614,088 alleles (0.00099%); highest among the groups gnomAD compares: Middle Eastern, 0.016%; no homozygotes.

Submissions (2):

Labcorp Genetics (formerly Invitae), Labcorp
Classification: Uncertain significance for Familial focal epilepsy with variable foci. Last evaluated: 2026-01-21. Review status: criteria provided, single submitter. Criteria: Invitae Variant Classification Sherloc (09022015). Collection method: clinical testing. Allele origin: germline.
Comment: This sequence change replaces proline, which is neutral and non-polar, with arginine, which is basic and polar, at codon 822 of the DEPDC5 protein (p.Pro822Arg). This variant is present in population databases (rs746372266, gnomAD 0.02%). This variant has not been reported in the literature in individuals affected with DEPDC5-related conditions. ClinVar contains an entry for this variant (Variation ID: 534802). Experimental studies and prediction algorithms are not available or were not evaluated, and the functional significance of this variant is currently unknown. In summary, the available evidence is currently insufficient to determine the role of this variant in disease. Therefore, it has been classified as a Variant of Uncertain Significance.

Ambry Genetics
Classification: Uncertain significance for Inborn genetic diseases. Last evaluated: 2024-03-04. Review status: criteria provided, single submitter. Criteria: Ambry Variant Classification Scheme 2023. Collection method: clinical testing. Allele origin: germline.

NM_001242896.3(DEPDC5):c.2465C>G (p.Pro822Arg)

Gene: DEPDC5 (DEP domain containing 5, GATOR1 subcomplex subunit; plus strand). Cytogenetic location: 22q12.3.
Variant type: single nucleotide variant.
Coding change: c.2465C>G on transcript NM_001242896.3 (MANE Select); coding-DNA position 2465, C replaced by G.
Protein change: p.Pro822Arg; replaces proline 822 with arginine.
Molecular consequence: missense variant. On other transcripts: non-coding transcript variant (5).
Genome position (GRCh38, 1-based): chr22:31,838,795, C>G. VCF-style: chr22-31838795-C-G. GRCh37 (hg19) VCF-style: chr22-32234781-C-G.
Other names: c.2438C>G, p.Pro813Arg (NM_001136029.4, NM_001369903.1, NM_014662.6); c.2231C>G, p.Pro744Arg (NM_001242897.2, NM_001363854.2, NM_001364319.2); c.2465C>G, p.Pro822Arg (NM_001363852.2, NM_001364318.2, NM_001364320.2); c.2381C>G, p.Pro794Arg (NM_001369901.1, NM_001369902.1); short protein forms P744R, P822R, P813R, P794R.
Identifiers: ClinVar variation 534802 (VCV000534802.11), dbSNP rs746372266, ClinGen allele CA10196720.